The following is an entry in ClinVar:

NM_003001.5(SDHC):c.164A>G (p.His55Arg)

Gene: SDHC (succinate dehydrogenase complex subunit C; plus strand). Cytogenetic location: 1q23.3.
Variant type: single nucleotide variant.
Coding change: c.164A>G on transcript NM_003001.5 (MANE Select); coding-DNA position 164, A replaced by G.
Protein change: p.His55Arg; replaces histidine 55 with arginine.
Molecular consequence: missense variant. On other transcripts: non-coding transcript variant (1), intron variant (4).
Genome position (GRCh38, 1-based): chr1:161,328,482, A>G. VCF-style: chr1-161328482-A-G. GRCh37 (hg19) VCF-style: chr1-161298272-A-G.
Other names: c.164A>G, p.His55Arg (NM_001035511.3, NM_001407115.1); c.107A>G, p.His36Arg (NM_001407116.1, NM_001407117.1, NM_001407121.1); c.53A>G, p.His18Arg (NM_001407119.1, NM_001407120.1); c.77+4812A>G (NM_001035512.3, NM_001278172.3, NM_001407118.1); c.21-12112A>G (NM_001035513.3); short protein forms H55R, H36R, H18R.
Identifiers: ClinVar variation 239449 (VCV000239449.14), dbSNP rs878854585, ClinGen allele CA10581737.

ClinVar aggregate classification (germline): Uncertain significance. Review status: criteria provided, multiple submitters, no conflicts (2 of 4 stars). 3 submissions from 3 submitters: Uncertain significance (3). Last evaluated 2026-05-27.

Conditions:
Gastrointestinal stromal tumor. Also called: Gastrointestinal stromal tumor, somatic; Gastrointestinal stroma tumor. Identifiers: Orphanet 44890, MedGen C0238198, MeSH D046152, MONDO:0011719, OMIM 606764, HP:0100723.
Pheochromocytoma/paraganglioma syndrome 3. Also called: Paragangliomas 3; SDHC-Related Hereditary Paraganglioma-Pheochromocytoma Syndrome (Paragangliomas 3); SDHC-Related Hereditary Paraganglioma-Pheochromocytoma Syndrome; GLOMUS TUMORS, FAMILIAL, 3. Identifiers: Orphanet 29072, MedGen C1854336, MONDO:0011544, OMIM 605373.
Hereditary cancer-predisposing syndrome. Also called: Neoplastic Syndromes, Hereditary; Hereditary neoplastic syndrome; Hereditary Cancer Syndrome; Tumor predisposition. Identifiers: Orphanet 140162, MedGen C0027672, MeSH D009386, MONDO:0015356.

Submissions (3):

Ambry Genetics
Classification: Uncertain significance for Hereditary cancer-predisposing syndrome. Last evaluated: 2026-05-27. Review status: criteria provided, single submitter. Criteria: Ambry Variant Classification Scheme 2023. Collection method: clinical testing. Allele origin: germline.
Comment: The p.H55R variant (also known as c.164A>G), located in coding exon 3 of the SDHC gene, results from an A to G substitution at nucleotide position 164. The histidine at codon 55 is replaced by arginine, an amino acid with highly similar properties. This variant was reported in individual(s) with features consistent with SDHC-related hereditary pheochromocytoma-paraganglioma (Albattal S et al. Oncotarget, 2019 Oct;10:5919-5931; Parisien-La Salle S et al. Clin Endocrinol (Oxf), 2022 Jun;96:803-811). This amino acid position is highly conserved in available vertebrate species. In addition, this alteration is predicted to be deleterious by in silico analysis. Based on the available evidence, the clinical significance of this variant remains unclear.

Labcorp Genetics (formerly Invitae), Labcorp
Classification: Uncertain significance for Pheochromocytoma/paraganglioma syndrome 3; Gastrointestinal stromal tumor. Last evaluated: 2023-10-04. Review status: criteria provided, single submitter. Criteria: Invitae Variant Classification Sherloc (09022015). Collection method: clinical testing. Allele origin: germline.
Comment: This sequence change replaces histidine, which is basic and polar, with arginine, which is basic and polar, at codon 55 of the SDHC protein (p.His55Arg). This variant is not present in population databases (gnomAD no frequency). This missense change has been observed in individual(s) with head and neck paraganglioma (PMID: 30877234, 31666924). ClinVar contains an entry for this variant (Variation ID: 239449). An algorithm developed to predict the effect of missense changes on protein structure and function (PolyPhen-2) suggests that this variant is likely to be disruptive. In summary, the available evidence is currently insufficient to determine the role of this variant in disease. Therefore, it has been classified as a Variant of Uncertain Significance.

GeneDx
Classification: Uncertain significance. Last evaluated: 2020-02-04. Review status: criteria provided, single submitter. Criteria: GeneDx Variant Classification Process June 2021. Collection method: clinical testing. Allele origin: germline. Affected: yes.
Comment: Not observed in large population cohorts (Lek 2016); In silico analysis supports that this missense variant has a deleterious effect on protein structure/function; This variant is associated with the following publications: (PMID: 30877234, 31666924)

Literature cited by the submitters: PubMed 31666924 (cited by Ambry Genetics and Labcorp Genetics (formerly Invitae), Labcorp); PubMed 34750850 (cited by Ambry Genetics); PubMed 30877234 (cited by Labcorp Genetics (formerly Invitae), Labcorp).